The following is an entry in ClinVar:

ClinVar aggregate classification (germline): Likely benign (1 of 4 stars; one submission).

Conditions:
Joubert syndrome 17 (JBTS17). Identifiers: Orphanet 475, MedGen C3553264, MONDO:0013824, OMIM 614615.

Allele frequency attached by ClinVar (database versions not stated): gnomAD exomes 0.00012; TOPMed 0.00235; 1000 Genomes Project 30x 0.00406; 1000 Genomes Project 0.00439.
gnomAD v4.1: 433 of 985,938 alleles (0.044%); highest among the groups gnomAD compares: African/African-American, 0.7%; 2 homozygotes.

Submission:

Illumina Laboratory Services, Illumina
Classification: Likely benign for Joubert syndrome 17. Last evaluated: 2018-01-13. Review status: criteria provided, single submitter. Criteria: ICSL Variant Classification Criteria 13 December 2019. Collection method: clinical testing. Allele origin: germline.
Comment: This variant was observed in the ICSL laboratory as part of a predisposition screen in an ostensibly healthy population. It had not been previously curated by ICSL or reported in the Human Gene Mutation Database (HGMD: prior to June 1st, 2018), and was therefore a candidate for classification through an automated scoring system. Utilizing variant allele frequency, disease prevalence and penetrance estimates, and inheritance mode, an automated score was calculated to assess if this variant is too frequent to cause the disease. Based on the score and internal cut-off values, a variant classified as likely benign is not then subjected to further curation. The score for this variant resulted in a classification of likely benign for this disease.

NM_001384732.1(CPLANE1):c.*423C>G

Gene: CPLANE1 (ciliogenesis and planar polarity effector complex subunit 1; minus strand). Cytogenetic location: 5p13.2.
Variant type: single nucleotide variant.
Coding change: c.*423C>G on transcript NM_001384732.1 (MANE Select); 423 bases downstream of the stop codon, C replaced by G.
Molecular consequence: 3 prime UTR variant.
Genome position (GRCh38, 1-based): chr5:37,107,179, G>C on the plus strand (C>G on the coding strand, the complement: CPLANE1 is on the minus strand). VCF-style: chr5-37107179-G-C. GRCh37 (hg19) VCF-style: chr5-37107281-G-C.
Other names: c.*423C>G (NM_023073.4).
Identifiers: ClinVar variation 353410 (VCV000353410.5), dbSNP rs190089842, ClinGen allele CA10620358.